The following is an entry in ClinVar:

NM_017654.4(SAMD9):c.4139T>C (p.Ile1380Thr)

Gene: SAMD9 (sterile alpha motif domain containing 9; minus strand). Cytogenetic location: 7q21.2.
Variant type: single nucleotide variant.
Coding change: c.4139T>C on transcript NM_017654.4 (MANE Select); coding-DNA position 4139, T replaced by C.
Protein change: p.Ile1380Thr; replaces isoleucine 1380 with threonine.
Molecular consequence: missense variant.
Genome position (GRCh38, 1-based): chr7:93,101,959, A>G on the plus strand (T>C on the coding strand, the complement: SAMD9 is on the minus strand). VCF-style: chr7-93101959-A-G. GRCh37 (hg19) VCF-style: chr7-92731272-A-G.
Other names: c.4139T>C, p.Ile1380Thr (NM_001193307.2); short protein forms I1380T.
Identifiers: ClinVar variation 5028795 (VCV005028795.1).

ClinVar aggregate classification (germline): Uncertain significance (1 of 4 stars; one submission).

Conditions:
Inborn genetic diseases. Identifiers: MedGen C0950123, MeSH D030342.

Submission:

Ambry Genetics
Classification: Uncertain significance for Inborn genetic diseases. Last evaluated: 2026-08-19. Review status: criteria provided, single submitter. Criteria: Ambry Variant Classification Scheme 2023. Collection method: clinical testing. Allele origin: germline.
Comment: The p.I1380T variant (also known as c.4139T>C), located in coding exon 1 of the SAMD9 gene, results from a T to C substitution at nucleotide position 4139. The isoleucine at codon 1380 is replaced by threonine, an amino acid with similar properties. This amino acid position is conserved. In addition, this alteration is predicted to be tolerated by in silico analysis. Based on the available evidence, the clinical significance of this variant remains unclear.